The following is an entry in ClinVar:

NM_000587.4(C7):c.375A>C (p.Arg125Ser)

Gene: C7 (complement C7; plus strand). Cytogenetic location: 5p13.1.
Variant type: single nucleotide variant.
Coding change: c.375A>C on transcript NM_000587.4 (MANE Select); coding-DNA position 375, A replaced by C.
Protein change: p.Arg125Ser; replaces arginine 125 with serine.
Molecular consequence: missense variant.
Genome position (GRCh38, 1-based): chr5:40,936,432, A>C. VCF-style: chr5-40936432-A-C. GRCh37 (hg19) VCF-style: chr5-40936534-A-C.
Other names: short protein forms R125S.
Identifiers: ClinVar variation 2817999 (VCV002817999.3), dbSNP rs2478168593, ClinGen allele CA359590307.

ClinVar aggregate classification (germline): Uncertain significance (1 of 4 stars; one submission).

Submission:

Labcorp Genetics (formerly Invitae), Labcorp
Classification: Uncertain significance. Last evaluated: 2022-12-02. Review status: criteria provided, single submitter. Criteria: Invitae Variant Classification Sherloc (09022015). Collection method: clinical testing. Allele origin: germline.
Comment: In summary, the available evidence is currently insufficient to determine the role of this variant in disease. Therefore, it has been classified as a Variant of Uncertain Significance. Advanced modeling of protein sequence and biophysical properties (such as structural, functional, and spatial information, amino acid conservation, physicochemical variation, residue mobility, and thermodynamic stability) performed at Invitae indicates that this missense variant is not expected to disrupt C7 protein function. This variant has not been reported in the literature in individuals affected with C7-related conditions. This variant is not present in population databases (gnomAD no frequency). This sequence change replaces arginine, which is basic and polar, with serine, which is neutral and polar, at codon 125 of the C7 protein (p.Arg125Ser).